The following is an entry in ClinVar:

ClinVar aggregate classification (germline): Likely benign (0 of 4 stars; one submission).

Conditions:
ADCY3-related disorder. Also called: ADCY3-related condition.

gnomAD v4.1: 10 of 1,611,508 alleles (0.00062%); highest among the groups gnomAD compares: Non-Finnish European, 0.00051%; no homozygotes.

Submission:

PreventionGenetics, part of Exact Sciences
Classification: Likely benign for ADCY3-related condition. Last evaluated: 2024-03-05. Review status: no assertion criteria provided. Collection method: clinical testing. Allele origin: germline.
Comment: This variant is classified as likely benign based on ACMG/AMP sequence variant interpretation guidelines (Richards et al. 2015 PMID: 25741868, with internal and published modifications).

NM_004036.5(ADCY3):c.1806-10C>G

Gene: ADCY3 (adenylate cyclase 3; minus strand). Cytogenetic location: 2p23.3.
Variant type: single nucleotide variant.
Coding change: c.1806-10C>G on transcript NM_004036.5 (MANE Select); 10 bases into the intron before coding-DNA position 1806, C replaced by G.
Molecular consequence: intron variant.
Genome position (GRCh38, 1-based): chr2:24,834,656, G>C on the plus strand (C>G on the coding strand, the complement: ADCY3 is on the minus strand). VCF-style: chr2-24834656-G-C. GRCh37 (hg19) VCF-style: chr2-25057525-G-C.
Other names: c.1806-10C>G (NM_001377130.1, NM_001377129.1, NM_001320613.2 and 1 more transcripts); c.1872-10C>G (NM_001377128.1); c.1083-10C>G (NM_001377131.1).
Identifiers: ClinVar variation 3351707 (VCV003351707.1).
Genomic context (GRCh38, chr2:24,834,656, plus strand): 5'-TCGGGGTCCATGAACCGCATGGACAAGAGGAAGGTGTTTCTCTTCTTTACTCTGCAGTGG[G>C]AACAAGCCCCATGAATCCCAAATGCCACATCTGCCTTGGCCTAGCAGGGGGGCCGTATTT-3'